The following is an entry in ClinVar:

NM_001115116.2(ANKRD53):c.789G>A (p.Leu263=)

Gene: ANKRD53 (ankyrin repeat domain 53; plus strand). Cytogenetic location: 2p13.3.
Variant type: single nucleotide variant.
Coding change: c.789G>A on transcript NM_001115116.2 (MANE Select); coding-DNA position 789, G replaced by A.
Protein change: p.Leu263=; no amino-acid change (leucine 263 retained).
Molecular consequence: synonymous variant.
Genome position (GRCh38, 1-based): chr2:70,982,583, G>A. VCF-style: chr2-70982583-G-A. GRCh37 (hg19) VCF-style: chr2-71209713-G-A.
Other names: c.687G>A, p.Leu229= (NM_001369683.1); c.789G>A, p.Leu263= (NM_024933.4).
Identifiers: ClinVar variation 2651017 (VCV002651017.24), dbSNP rs74696086, ClinGen allele CA1701655.

ClinVar aggregate classification (germline): Likely benign (1 of 4 stars; one submission).

Allele frequency attached by ClinVar (database versions not stated): 1000 Genomes Project 0.00160; 1000 Genomes Project 30x 0.00219; TOPMed 0.00392; gnomAD 0.00481; ExAC 0.00551; ESP Exome Variant Server 0.00630; gnomAD exomes 0.00665.
gnomAD v4.1: 10,399 of 1,614,132 alleles (0.64%); highest among the groups gnomAD compares: Non-Finnish European, 0.74%; 48 homozygotes.

Submission:

CeGaT Center for Human Genetics Tuebingen
Classification: Likely benign. Last evaluated: 2022-07-01. Review status: criteria provided, single submitter. Criteria: CeGaT Center For Human Genetics Tuebingen Variant Classification Criteria Version 2. Collection method: clinical testing. Allele origin: germline. Affected: yes. Observed: 1 variant allele.
Comment: ANKRD53: BP4, BS2